The following is an entry in ClinVar:

ClinVar aggregate classification (germline): Uncertain significance (1 of 4 stars; one submission).

gnomAD v4.1: 3 of 1,613,946 alleles (0.00019%); highest among the groups gnomAD compares: Admixed American, 0.0033%; no homozygotes.

Submission:

Labcorp Genetics (formerly Invitae), Labcorp
Classification: Uncertain significance. Last evaluated: 2026-01-06. Review status: criteria provided, single submitter. Criteria: Invitae Variant Classification Sherloc (09022015). Collection method: clinical testing. Allele origin: germline.
Comment: This sequence change replaces alanine, which is neutral and non-polar, with glycine, which is neutral and non-polar, at codon 2783 of the COL7A1 protein (p.Ala2783Gly). This variant is present in population databases (no rsID available, gnomAD 0.006%). This variant has not been reported in the literature in individuals affected with COL7A1-related conditions. ClinVar contains an entry for this variant (Variation ID: 2026997). Invitae Evidence Modeling of protein sequence and biophysical properties (such as structural, functional, and spatial information, amino acid conservation, physicochemical variation, residue mobility, and thermodynamic stability) has been performed for this missense variant. However, the output from this modeling did not meet the statistical confidence thresholds required to predict the impact of this variant on COL7A1 protein function. In summary, the available evidence is currently insufficient to determine the role of this variant in disease. Therefore, it has been classified as a Variant of Uncertain Significance.

NM_000094.4(COL7A1):c.8348C>G (p.Ala2783Gly)

Gene: COL7A1 (collagen type VII alpha 1 chain; minus strand). Cytogenetic location: 3p21.31.
Variant type: single nucleotide variant.
Coding change: c.8348C>G on transcript NM_000094.4 (MANE Select); coding-DNA position 8348, C replaced by G.
Protein change: p.Ala2783Gly; replaces alanine 2783 with glycine.
Molecular consequence: missense variant.
Genome position (GRCh38, 1-based): chr3:48,566,520, G>C on the plus strand (C>G on the coding strand, the complement: COL7A1 is on the minus strand). VCF-style: chr3-48566520-G-C. GRCh37 (hg19) VCF-style: chr3-48603953-G-C.
Other names: short protein forms A2783G.
Identifiers: ClinVar variation 2026997 (VCV002026997.3), dbSNP rs774788540, ClinGen allele CA352636776.